The following is an entry in ClinVar:

ClinVar aggregate classification (germline): Uncertain significance (1 of 4 stars; one submission).

Conditions:
Emery-Dreifuss muscular dystrophy 5, autosomal dominant (EDMD5). Also called: EMERY-DREIFUSS MUSCULAR DYSTROPHY 5. Identifiers: Orphanet 261, MedGen C2751805, MONDO:0013072, OMIM 612999.

Allele frequency attached by ClinVar (database versions not stated): gnomAD exomes below 0.00001.
gnomAD v4.1: 1 of 1,614,236 alleles (0.000062%); highest among the groups gnomAD compares: East Asian, 0.0022%; no homozygotes.

Submission:

Labcorp Genetics (formerly Invitae), Labcorp
Classification: Uncertain significance for Emery-Dreifuss muscular dystrophy 5, autosomal dominant. Last evaluated: 2022-11-15. Review status: criteria provided, single submitter. Criteria: Invitae Variant Classification Sherloc (09022015). Collection method: clinical testing. Allele origin: germline.
Comment: In summary, the available evidence is currently insufficient to determine the role of this variant in disease. Therefore, it has been classified as a Variant of Uncertain Significance. Algorithms developed to predict the effect of missense changes on protein structure and function are either unavailable or do not agree on the potential impact of this missense change (SIFT: "Tolerated"; PolyPhen-2: "Probably Damaging"; Align-GVGD: "Class C0"). ClinVar contains an entry for this variant (Variation ID: 645988). This variant has not been reported in the literature in individuals affected with SYNE2-related conditions. This variant is present in population databases (no rsID available, gnomAD 0.006%). This sequence change replaces glutamine, which is neutral and polar, with histidine, which is basic and polar, at codon 3753 of the SYNE2 protein (p.Gln3753His).

NM_182914.3(SYNE2):c.11259A>C (p.Gln3753His)

Gene: SYNE2 (spectrin repeat containing nuclear envelope protein 2; plus strand). Cytogenetic location: 14q23.2.
Variant type: single nucleotide variant.
Coding change: c.11259A>C on transcript NM_182914.3 (MANE Select); coding-DNA position 11259, A replaced by C.
Protein change: p.Gln3753His; replaces glutamine 3753 with histidine.
Molecular consequence: missense variant.
Genome position (GRCh38, 1-based): chr14:64,080,551, A>C. VCF-style: chr14-64080551-A-C. GRCh37 (hg19) VCF-style: chr14-64547269-A-C.
Other names: c.11259A>C, p.Gln3753His (NM_015180.6); short protein forms Q3753H.
Identifiers: ClinVar variation 645988 (VCV000645988.8), dbSNP rs1226574131, ClinGen allele CA389941626.
Genomic context (GRCh38, chr14:64,080,551, plus strand): 5'-ACTAAATGAGCTGGATTCTGAAGTTCAGGACATTGTTGAACAGGACCCAGGACAGGCTCA[A>C]GAATGGATGGATAACTTGATGATTCCTTTCCAGCAGTATCAGCAAGTATCACAGAGAGCA-3'
Protein context (NP_878918.2, residues 3743-3763): DIVEQDPGQA[Gln3753His]EWMDNLMIPF